The following is an entry in ClinVar:

ClinVar aggregate classification (germline): Conflicting classifications of pathogenicity. Review status: criteria provided, conflicting classifications (1 of 4 stars). 2 submissions from 2 submitters: Likely pathogenic (1); Uncertain significance (1). Last evaluated 2023-06-04.

Conditions:
MYH7-related disorder. Also called: MYH7-related disorders; MYH7-related condition; MYH7-related disease.
Hypertrophic cardiomyopathy. Also called: HYPERTROPHIC MYOCARDIOPATHY. Identifiers: Orphanet 217569, MedGen C0007194, MeSH D002312, MONDO:0005045, HP:0001639.

gnomAD v4.1: 1 of 1,614,174 alleles (0.000062%); highest among the groups gnomAD compares: Non-Finnish European, 0.000085%; no homozygotes.

Submissions (2):

Labcorp Genetics (formerly Invitae), Labcorp
Classification: Uncertain significance for Hypertrophic cardiomyopathy. Last evaluated: 2023-06-04. Review status: criteria provided, single submitter. Criteria: Invitae Variant Classification Sherloc (09022015). Collection method: clinical testing. Allele origin: germline.
Comment: In summary, the available evidence is currently insufficient to determine the role of this variant in disease. Therefore, it has been classified as a Variant of Uncertain Significance. Advanced modeling of protein sequence and biophysical properties (such as structural, functional, and spatial information, amino acid conservation, physicochemical variation, residue mobility, and thermodynamic stability) performed at Invitae indicates that this missense variant is expected to disrupt MYH7 protein function. ClinVar contains an entry for this variant (Variation ID: 638362). This variant has not been reported in the literature in individuals affected with MYH7-related conditions. This variant is not present in population databases (gnomAD no frequency). This sequence change replaces glutamic acid, which is acidic and polar, with glutamine, which is neutral and polar, at codon 779 of the MYH7 protein (p.Glu779Gln).

Genomic Research Center, Shahid Beheshti University of Medical Sciences
Classification: Likely pathogenic for MYH7-Related Disorders. Last evaluated: 2019-04-27. Review status: criteria provided, single submitter. Criteria: ACMG Guidelines, 2015. Collection method: clinical testing. Allele origin: germline. Affected: yes.

NM_000257.4(MYH7):c.2335G>C (p.Glu779Gln)

Genes: MYH7 (myosin heavy chain 7; minus strand), LOC126861898 (BRD4-independent group 4 enhancer GRCh37_chr14:23893609-23894808; plus strand). Cytogenetic location: 14q11.2.
Variant type: single nucleotide variant.
Coding change: c.2335G>C on transcript NM_000257.4 (MANE Select); coding-DNA position 2335, G replaced by C.
Protein change: p.Glu779Gln; replaces glutamic acid 779 with glutamine.
Molecular consequence: missense variant.
Genome position (GRCh38, 1-based): chr14:23,425,370, C>G on the plus strand (G>C on the coding strand, the complement: MYH7 is on the minus strand). VCF-style: chr14-23425370-C-G. GRCh37 (hg19) VCF-style: chr14-23894579-C-G.
Other names: short protein forms E779Q.
Identifiers: ClinVar variation 638362 (VCV000638362.8), dbSNP rs1427104281, ClinGen allele CA389048626.